The following is an entry in ClinVar:

ClinVar aggregate classification (germline): Uncertain significance. Review status: criteria provided, multiple submitters, no conflicts (2 of 4 stars). 6 submissions from 6 submitters: Uncertain significance (4). 2 of the submissions do not count toward it. Last evaluated 2025-12-11.

Conditions:
Cardiovascular phenotype. Identifiers: MedGen CN230736.
Arrhythmogenic right ventricular dysplasia 12. Also called: ARRHYTHMOGENIC RIGHT VENTRICULAR DYSPLASIA, FAMILIAL, 12. Identifiers: MedGen C1969081, MONDO:0012684, OMIM 611528.
Naxos disease (NXD). Also called: KERATOSIS PALMOPLANTARIS WITH ARRHYTHMOGENIC CARDIOMYOPATHY; MAL DE NAXOS; PALMOPLANTAR KERATODERMA WITH ARRHYTHMOGENIC RIGHT VENTRICULAR CARDIOMYOPATHY AND WOOLLY HAIR; WOOLLY HAIR, PALMOPLANTAR KERATODERMA, AND CARDIAC ABNORMALITIES; CARDIOMYOPATHY, ARRHYTHMOGENIC RIGHT VENTRICULAR, WITH SKIN, HAIR, AND NAIL ABNORMALITIES. Identifiers: Orphanet 34217, MedGen C1832600, MONDO:0011017, OMIM 601214.

Allele frequency attached by ClinVar (database versions not stated): gnomAD 0.00001; gnomAD exomes 0.00001.
gnomAD v4.1: 12 of 1,614,010 alleles (0.00074%); highest among the groups gnomAD compares: African/African-American, 0.0013%; no homozygotes.

Submissions (6):

Ambry Genetics
Classification: Uncertain significance for Cardiovascular phenotype. Last evaluated: 2025-12-11. Review status: criteria provided, single submitter. Criteria: Ambry Variant Classification Scheme 2023. Collection method: clinical testing. Allele origin: germline.
Comment: The p.K283N variant (also known as c.849G>T), located in coding exon 4 of the JUP gene, results from a G to T substitution at nucleotide position 849. The lysine at codon 283 is replaced by asparagine, an amino acid with similar properties. This amino acid position is highly conserved in available vertebrate species. In addition, this alteration is predicted to be tolerated by in silico analysis. Since supporting evidence is limited at this time, the clinical significance of this alteration remains unclear.

Labcorp Genetics (formerly Invitae), Labcorp
Classification: Uncertain significance for Arrhythmogenic right ventricular dysplasia 12; Naxos disease. Last evaluated: 2024-12-22. Review status: criteria provided, single submitter. Criteria: Invitae Variant Classification Sherloc (09022015). Collection method: clinical testing. Allele origin: germline.
Comment: This sequence change replaces lysine, which is basic and polar, with asparagine, which is neutral and polar, at codon 283 of the JUP protein (p.Lys283Asn). This variant is present in population databases (rs794729054, gnomAD 0.003%). This variant has not been reported in the literature in individuals affected with JUP-related conditions. ClinVar contains an entry for this variant (Variation ID: 201832). An algorithm developed to predict the effect of missense changes on protein structure and function (PolyPhen-2) suggests that this variant is likely to be tolerated. In summary, the available evidence is currently insufficient to determine the role of this variant in disease. Therefore, it has been classified as a Variant of Uncertain Significance.

Fulgent Genetics
Classification: Uncertain significance for Naxos disease; Arrhythmogenic right ventricular dysplasia 12. Last evaluated: 2022-04-04. Review status: criteria provided, single submitter. Criteria: ACMG Guidelines, 2015. Collection method: clinical testing. Allele origin: unknown.

GeneDx
Classification: Uncertain significance. Last evaluated: 2018-05-21. Review status: criteria provided, single submitter. Criteria: GeneDx Variant Classification (06012015). Collection method: clinical testing. Allele origin: germline. Affected: yes.
Comment: The K283N variant of uncertain significance in the JUP gene has not been published as pathogenic or been reported as benign to our knowledge. This variant is observed in 3/111,686 (0.003%) European (non-Finnish) alleles in large population cohorts (Lek et al., 2016). The K283N variant is a semi-conservative amino acid substitution, which may impact secondary protein structure as these residues differ in some properties. Finally, in-silico analyses, including protein predictors and evolutionary conservation, support a deleterious effect.Therefore, based on the currently available information, it is unclear whether this variant is pathogenic or rare benign.

Clinical Genetics DNA and cytogenetics Diagnostics Lab, Erasmus MC, Erasmus Medical Center
Classification: Uncertain significance. Review status: no assertion criteria provided. Collection method: clinical testing. Allele origin: germline. Affected: yes. Study: VKGL Data-share Consensus. Not counted in ClinVar's aggregate classification.

Diagnostic Laboratory, Department of Genetics, University Medical Center Groningen
Classification: Uncertain significance. Review status: no assertion criteria provided. Collection method: clinical testing. Allele origin: germline. Affected: yes. Study: VKGL Data-share Consensus. Not counted in ClinVar's aggregate classification.

NM_002230.4(JUP):c.849G>T (p.Lys283Asn)

Gene: JUP (junction plakoglobin; minus strand). Cytogenetic location: 17q21.2.
Variant type: single nucleotide variant.
Coding change: c.849G>T on transcript NM_002230.4 (MANE Select); coding-DNA position 849, G replaced by T.
Protein change: p.Lys283Asn; replaces lysine 283 with asparagine.
Molecular consequence: missense variant.
Genome position (GRCh38, 1-based): chr17:41,767,439, C>A on the plus strand (G>T on the coding strand, the complement: JUP is on the minus strand). VCF-style: chr17-41767439-C-A. GRCh37 (hg19) VCF-style: chr17-39923691-C-A.
Other names: p.K283N:AAG>AAT; c.849G>T, p.Lys283Asn (NM_001352773.2, NM_001352774.2, NM_001352775.2 and 3 more transcripts); short protein forms K283N.
Identifiers: ClinVar variation 201832 (VCV000201832.16), dbSNP rs794729054, ClinGen allele CA308571.